The following is an entry in ClinVar:

NM_198271.5(LMOD3):c.410G>A (p.Ser137Asn)

Gene: LMOD3 (leiomodin 3; minus strand). Cytogenetic location: 3p14.1.
Variant type: single nucleotide variant.
Coding change: c.410G>A on transcript NM_198271.5 (MANE Select); coding-DNA position 410, G replaced by A.
Protein change: p.Ser137Asn; replaces serine 137 with asparagine.
Molecular consequence: missense variant.
Genome position (GRCh38, 1-based): chr3:69,119,945, C>T on the plus strand (G>A on the coding strand, the complement: LMOD3 is on the minus strand). VCF-style: chr3-69119945-C-T. GRCh37 (hg19) VCF-style: chr3-69169096-C-T.
Other names: c.410G>A, p.Ser137Asn (NM_001304418.3); short protein forms S137N.
Identifiers: ClinVar variation 1038470 (VCV001038470.5), dbSNP rs1452040409, ClinGen allele CA353476890.

ClinVar aggregate classification (germline): Uncertain significance (1 of 4 stars; one submission).

Conditions:
Nemaline myopathy 10 (NEM10). Identifiers: MedGen C4015360, MONDO:0014513, OMIM 616165.

gnomAD v4.1: 3 of 1,568,486 alleles (0.00019%); highest among the groups gnomAD compares: East Asian, 0.0023%; no homozygotes.

Submission:

Labcorp Genetics (formerly Invitae), Labcorp
Classification: Uncertain significance for Nemaline myopathy 10. Last evaluated: 2022-06-27. Review status: criteria provided, single submitter. Criteria: Invitae Variant Classification Sherloc (09022015). Collection method: clinical testing. Allele origin: germline.
Comment: This sequence change replaces serine, which is neutral and polar, with asparagine, which is neutral and polar, at codon 137 of the LMOD3 protein (p.Ser137Asn). This variant is not present in population databases (gnomAD no frequency). In summary, the available evidence is currently insufficient to determine the role of this variant in disease. Therefore, it has been classified as a Variant of Uncertain Significance. Algorithms developed to predict the effect of missense changes on protein structure and function (SIFT, PolyPhen-2, Align-GVGD) all suggest that this variant is likely to be tolerated. ClinVar contains an entry for this variant (Variation ID: 1038470). This variant has not been reported in the literature in individuals affected with LMOD3-related conditions.